The following is an entry in ClinVar:

ClinVar aggregate classification (germline): Likely benign. Review status: criteria provided, single submitter (1 of 4 stars). 2 submissions from 2 submitters: Likely benign (1). 1 of the submissions does not count toward it. Last evaluated 2024-10-31.

Conditions:
DNMBP-related disorder. Also called: DNMBP-related condition.

Allele frequency attached by ClinVar (database versions not stated): gnomAD exomes 0.00043; ExAC 0.00143; 1000 Genomes Project 30x 0.00297; 1000 Genomes Project 0.00300; gnomAD 0.00431; ESP Exome Variant Server 0.00507.
gnomAD v4.1: 1,293 of 1,613,724 alleles (0.08%); highest among the groups gnomAD compares: African/African-American, 1.6%; 8 homozygotes.

Submissions (2):

Blueprint Genetics
Classification: Likely benign. Last evaluated: 2024-10-31. Review status: criteria provided, single submitter. Criteria: ACMG Guidelines, 2015. Collection method: clinical testing. Allele origin: germline.

PreventionGenetics, part of Exact Sciences
Classification: Benign for DNMBP-related condition. Last evaluated: 2019-07-31. Review status: no assertion criteria provided. Collection method: clinical testing. Allele origin: germline. Not counted in ClinVar's aggregate classification.
Comment: This variant is classified as benign based on ACMG/AMP sequence variant interpretation guidelines (Richards et al. 2015 PMID: 25741868, with internal and published modifications).

NM_015221.4(DNMBP):c.2742C>G (p.Asn914Lys)

Gene: DNMBP (dynamin binding protein; minus strand). Cytogenetic location: 10q24.2.
Variant type: single nucleotide variant.
Coding change: c.2742C>G on transcript NM_015221.4 (MANE Select); coding-DNA position 2742, C replaced by G.
Protein change: p.Asn914Lys; replaces asparagine 914 with lysine.
Molecular consequence: missense variant.
Genome position (GRCh38, 1-based): chr10:99,898,264, G>C on the plus strand (C>G on the coding strand, the complement: DNMBP is on the minus strand). VCF-style: chr10-99898264-G-C. GRCh37 (hg19) VCF-style: chr10-101658021-G-C.
Other names: c.1638C>G, p.Asn546Lys (NM_001318326.2); c.480C>G, p.Asn160Lys (NM_001318327.2); short protein forms N202K, N546K, N914K, N160K.
Identifiers: ClinVar variation 3034579 (VCV003034579.3), dbSNP rs7919507, ClinGen allele CA5644782.
Genomic context (GRCh38, chr10:99,898,264, plus strand): 5'-CATTAGCAACAGCGGGTAACGCATTACTCTCTGTACTGGTTTGATGAGGAAGGAGCCCAG[G>C]TTAATATAATTTGTGCATCCCCTGTAAGAGAAGGAAAAAAGACTTTAGTAAGCTATCAAT-3'
Protein context (NP_056036.1, residues 904-924): YNEWGCTNYI[Asn914Lys]LGSFLIKPVQ